The following is an entry in ClinVar:

ClinVar aggregate classification (germline): Uncertain significance (1 of 4 stars; one submission).

Conditions:
Hereditary cancer-predisposing syndrome. Also called: Hereditary Cancer Syndrome; Tumor predisposition; Hereditary neoplastic syndrome; Neoplastic Syndromes, Hereditary. Identifiers: Orphanet 140162, MedGen C0027672, MeSH D009386, MONDO:0015356.

Submission:

Ambry Genetics
Classification: Uncertain significance for Hereditary cancer-predisposing syndrome. Last evaluated: 2025-05-19. Review status: criteria provided, single submitter. Criteria: Ambry Variant Classification Scheme 2023. Collection method: clinical testing. Allele origin: germline.
Comment: The c.1473+4461C>T intronic variant results from a C to T substitution 4461 nucleotides after coding exon 9 in the BRIP1 gene. This nucleotide position is highly conserved in available vertebrate species. In silico splice site analysis predicts that this alteration will not have any significant effect on splicing; however, direct evidence is insufficient at this time (Ambry internal data). Based on the available evidence, the clinical significance of this variant remains unclear.

NM_032043.3(BRIP1):c.1473+4461C>T

Gene: BRIP1 (BRCA1 interacting DNA helicase 1; minus strand). Cytogenetic location: 17q23.2.
Variant type: single nucleotide variant.
Coding change: c.1473+4461C>T on transcript NM_032043.3 (MANE Select); 4461 bases into the intron after coding-DNA position 1473, C replaced by T.
Molecular consequence: intron variant.
Genome position (GRCh38, 1-based): chr17:61,789,136, G>A on the plus strand (C>T on the coding strand, the complement: BRIP1 is on the minus strand). VCF-style: chr17-61789136-G-A. GRCh37 (hg19) VCF-style: chr17-59866497-G-A.
Identifiers: ClinVar variation 3261800 (VCV003261800.2).